The following is an entry in ClinVar:

NM_198904.4(GABRG2):c.632-1212C>T

Gene: GABRG2 (gamma-aminobutyric acid type A receptor subunit gamma2; plus strand). Cytogenetic location: 5q34.
Variant type: single nucleotide variant.
Coding change: c.632-1212C>T on transcript NM_198904.4 (MANE Select); 1212 bases into the intron before coding-DNA position 632, C replaced by T.
Molecular consequence: intron variant.
Genome position (GRCh38, 1-based): chr5:162,102,677, C>T. VCF-style: chr5-162102677-C-T. GRCh37 (hg19) VCF-style: chr5-161529683-C-T.
Other names: c.632-1212C>T (NM_000816.3, NM_001375344.1, NM_001375340.1 and 2 more transcripts); c.347-1212C>T (NM_001375349.1); c.751+4C>T (NM_001375343.1, NM_198903.2); c.212-1212C>T (NM_001375350.1, NM_001375348.1); c.623-1212C>T (NM_001375339.1); c.566-1212C>T (NM_001375346.1, NM_001375345.1); c.545-1212C>T (NM_001375347.1).
Identifiers: ClinVar variation 137426 (VCV000137426.2), dbSNP rs587780948, ClinGen allele CA291000.
Genomic context (GRCh38, chr5:162,102,677, plus strand): 5'-GCTTCTGGGGCTCAACTGATCCTCCCACCTTGGCCTCCAGAGTAGCTGGGATTTCAGGCA[C>T]GCACCACCATACCCAGCTAATTTCTGTATTTTTTGTAGAGATGGGGCGTCGCCATGTTGC-3'

ClinVar aggregate classification (germline): Conflicting classifications of pathogenicity. Review status: criteria provided, conflicting classifications (1 of 4 stars). 2 submissions from 2 submitters: Uncertain significance (1); Benign (1). Last evaluated 2015-05-11.

Allele frequency attached by ClinVar (database versions not stated): gnomAD 0.00004; gnomAD exomes 0.00006; TOPMed 0.00008.
gnomAD v4.1: 23 of 448,174 alleles (0.0051%); highest among the groups gnomAD compares: Admixed American, 0.012%; no homozygotes.

Submissions (2):

Genomic Diagnostic Laboratory, Division of Genomic Diagnostics, Children's Hospital of Philadelphia
Classification: Uncertain significance. Last evaluated: 2015-05-11. Review status: criteria provided, single submitter. Criteria: DGD Variant Analysis Guidelines. Collection method: clinical testing. Allele origin: unknown.

GeneDx
Classification: Benign. Last evaluated: 2013-10-08. Review status: criteria provided, single submitter. Criteria: GeneDx Variant Classification (06012015). Collection method: clinical testing. Allele origin: germline. Affected: yes.
Comment: This variant is considered likely benign or benign based on one or more of the following criteria: it is a conservative change, it occurs at a poorly conserved position in the protein, it is predicted to be benign by multiple in silico algorithms, and/or has population frequency not consistent with disease.